The following is an entry in ClinVar:

NM_002907.4(RECQL):c.992C>T (p.Thr331Met)

Gene: RECQL (RecQ like helicase; minus strand). Cytogenetic location: 12p12.1.
Variant type: single nucleotide variant.
Coding change: c.992C>T on transcript NM_002907.4 (MANE Select); coding-DNA position 992, C replaced by T.
Protein change: p.Thr331Met; replaces threonine 331 with methionine.
Molecular consequence: missense variant.
Genome position (GRCh38, 1-based): chr12:21,475,782, G>A on the plus strand (C>T on the coding strand, the complement: RECQL is on the minus strand). VCF-style: chr12-21475782-G-A. GRCh37 (hg19) VCF-style: chr12-21628716-G-A.
Other names: c.992C>T, p.Thr331Met (NM_032941.3); short protein forms T331M.
Identifiers: ClinVar variation 1209408 (VCV001209408.14), dbSNP rs755679996, ClinGen allele CA6478888.
Genomic context (GRCh38, chr12:21,475,782, plus strand): 5'-TCTGGCTCCAAATTGGCATGGTAAGCACCTGCATGAATTCCCAGATTCTGCAAACTAACC[G>A]TAACTTGTTCAGAGTCTTTCTGAGAAAAACAATATATGATTCCTGCAGTAAAATATGTGC-3'
Protein context (NP_002898.2, residues 321-341): CFSQKDSEQV[Thr331Met]VSLQNLGIHA

ClinVar aggregate classification (germline): Uncertain significance. Review status: criteria provided, multiple submitters, no conflicts (2 of 4 stars). 4 submissions from 4 submitters: Uncertain significance (4). Last evaluated 2025-11-05.

Allele frequency attached by ClinVar (database versions not stated): ExAC 0.00001; gnomAD 0.00001; TOPMed 0.00002.
gnomAD v4.1: 16 of 1,612,862 alleles (0.00099%); highest among the groups gnomAD compares: Middle Eastern, 0.016%; no homozygotes.

Submissions (4):

Labcorp Genetics (formerly Invitae), Labcorp
Classification: Uncertain significance. Last evaluated: 2025-11-05. Review status: criteria provided, single submitter. Criteria: Invitae Variant Classification Sherloc (09022015). Collection method: clinical testing. Allele origin: germline.
Comment: This sequence change replaces threonine, which is neutral and polar, with methionine, which is neutral and non-polar, at codon 331 of the RECQL protein (p.Thr331Met). This variant is not present in population databases (gnomAD no frequency). This variant has not been reported in the literature in individuals affected with RECQL-related conditions. ClinVar contains an entry for this variant (Variation ID: 1209408). Invitae Evidence Modeling of protein sequence and biophysical properties (such as structural, functional, and spatial information, amino acid conservation, physicochemical variation, residue mobility, and thermodynamic stability) indicates that this missense variant is not expected to disrupt RECQL protein function with a negative predictive value of 80%. Algorithms developed to predict the effect of sequence changes on RNA splicing suggest that this variant may disrupt the consensus splice site. In summary, the available evidence is currently insufficient to determine the role of this variant in disease. Therefore, it has been classified as a Variant of Uncertain Significance.

Ambry Genetics
Classification: Uncertain significance. Last evaluated: 2025-02-10. Review status: criteria provided, single submitter. Criteria: Ambry Variant Classification Scheme 2023. Collection method: clinical testing. Allele origin: germline.
Comment: The p.T331M variant (also known as c.992C>T), located in coding exon 8 of the RECQL gene, results from a C to T substitution at nucleotide position 992. The threonine at codon 331 is replaced by methionine, an amino acid with similar properties. This amino acid position is well conserved in available vertebrate species. In addition, the in silico prediction for this alteration is inconclusive. The evidence for this gene-disease relationship is limited; therefore, the clinical significance of this alteration is unclear.

GeneDx
Classification: Uncertain significance. Last evaluated: 2024-08-19. Review status: criteria provided, single submitter. Criteria: GeneDx Variant Classification Process June 2021. Collection method: clinical testing. Allele origin: germline. Affected: yes.
Comment: Not observed at significant frequency in large population cohorts (gnomAD); In silico analysis indicates that this missense variant does not alter protein structure/function; Has not been previously published as pathogenic or benign to our knowledge; Variants in candidate genes are classified as variants of uncertain significance in accordance with ACMG guidelines (PMID: 25741868); This variant is associated with the following publications: (PMID: 19151156, 27248010)

Breakthrough Genomics
Classification: Uncertain significance. Review status: criteria provided, single submitter. Criteria: ACMG Guidelines, 2015. Collection method: not provided. Allele origin: germline. Inheritance: Unknown mechanism. Affected: yes.